The following is an entry in ClinVar:

ClinVar aggregate classification (germline): Uncertain significance. Review status: criteria provided, multiple submitters, no conflicts (2 of 4 stars). 4 submissions from 4 submitters: Uncertain significance (4). Last evaluated 2024-06-07.

Conditions:
Primary ciliary dyskinesia. Also called: Ciliary dyskinesia. Identifiers: Orphanet 244, MedGen C0008780, MONDO:0016575, HP:0012265.
Primary ciliary dyskinesia 15. Also called: CILIARY DYSKINESIA, PRIMARY, 15, WITH OR WITHOUT SITUS INVERSUS. Identifiers: Orphanet 244, MedGen C3151137, MONDO:0013435, OMIM 613808.

Allele frequency attached by ClinVar (database versions not stated): gnomAD exomes 0.00010 and 0.00011; ExAC 0.00016; gnomAD 0.00018 and 0.00019; TOPMed 0.00019; ESP Exome Variant Server 0.00024; 1000 Genomes Project 0.00060; 1000 Genomes Project 30x 0.00062.
gnomAD v4.1: 180 of 1,613,708 alleles (0.011%); highest among the groups gnomAD compares: African/African-American, 0.035%; no homozygotes.

Submissions (4):

Ambry Genetics
Classification: Uncertain significance for Primary ciliary dyskinesia. Last evaluated: 2024-06-07. Review status: criteria provided, single submitter. Criteria: Ambry Variant Classification Scheme 2023. Collection method: clinical testing. Allele origin: germline.

Fulgent Genetics
Classification: Uncertain significance for Primary ciliary dyskinesia 15. Last evaluated: 2022-02-09. Review status: criteria provided, single submitter. Criteria: ACMG Guidelines, 2015. Collection method: clinical testing. Allele origin: unknown.

Labcorp Genetics (formerly Invitae), Labcorp
Classification: Uncertain significance for Primary ciliary dyskinesia. Last evaluated: 2021-08-27. Review status: criteria provided, single submitter. Criteria: Invitae Variant Classification Sherloc (09022015). Collection method: clinical testing. Allele origin: germline.
Comment: This sequence change replaces valine with isoleucine at codon 200 of the CCDC40 protein (p.Val200Ile). The valine residue is weakly conserved and there is a small physicochemical difference between valine and isoleucine. This variant is present in population databases (rs200292678, ExAC 0.04%). This variant has not been reported in the literature in individuals affected with CCDC40-related conditions. Algorithms developed to predict the effect of missense changes on protein structure and function (SIFT, PolyPhen-2, Align-GVGD) all suggest that this variant is likely to be tolerated. In summary, the available evidence is currently insufficient to determine the role of this variant in disease. Therefore, it has been classified as a Variant of Uncertain Significance.

Illumina Laboratory Services, Illumina
Classification: Uncertain significance for Primary ciliary dyskinesia 15. Last evaluated: 2018-01-13. Review status: criteria provided, single submitter. Criteria: ICSL Variant Classification Criteria 13 December 2019. Collection method: clinical testing. Allele origin: germline.

NM_017950.4(CCDC40):c.598G>A (p.Val200Ile)

Gene: CCDC40 (coiled-coil domain 40 molecular ruler complex subunit; plus strand). Cytogenetic location: 17q25.3.
Variant type: single nucleotide variant.
Coding change: c.598G>A on transcript NM_017950.4 (MANE Select); coding-DNA position 598, G replaced by A.
Protein change: p.Val200Ile; replaces valine 200 with isoleucine.
Molecular consequence: missense variant.
Genome position (GRCh38, 1-based): chr17:80,047,324, G>A. VCF-style: chr17-80047324-G-A. GRCh37 (hg19) VCF-style: chr17-78021123-G-A.
Other names: c.598G>A, p.Val200Ile (NM_001243342.2, NM_001330508.2); short protein forms V200I.
Identifiers: ClinVar variation 325726 (VCV000325726.17), dbSNP rs200292678, ClinGen allele CA8813499.